The following is an entry in ClinVar:

ClinVar aggregate classification (germline): Uncertain significance. Review status: criteria provided, multiple submitters, no conflicts (2 of 4 stars). 6 submissions from 6 submitters: Uncertain significance (5). 1 of the submissions does not count toward it. Last evaluated 2022-10-05.

Conditions:
Pituitary adenoma 5, multiple types. Identifiers: MedGen C4539685, MONDO:0054601, OMIM 617540.
Usher syndrome type 1D (USH1D). Also called: USHER SYNDROME, TYPE ID. Identifiers: Orphanet 231169, Orphanet 886, MedGen C1832845, MONDO:0010984, OMIM 601067.
Autosomal recessive nonsyndromic hearing loss 12. Also called: DEAFNESS, AUTOSOMAL RECESSIVE 12. Identifiers: Orphanet 90636, MedGen C1832394, MONDO:0011067, OMIM 601386.
Usher syndrome type 1 (USH1). Also called: RETINITIS PIGMENTOSA AND CONGENITAL DEAFNESS. Identifiers: Orphanet 231169, Orphanet 886, MedGen C1568247, MONDO:0010168, OMIM 276900.
Beta-D-mannosidosis (MANSB). Also called: MANNOSIDOSIS, BETA A, LYSOSOMAL; BETA-MANNOSIDASE DEFICIENCY; Beta-Mannosidosis; LYSOSOMAL BETA-MANNOSIDASE DEFICIENCY. Identifiers: Orphanet 118, MedGen C4048196, MONDO:0009562, OMIM 248510.

Allele frequency attached by ClinVar (database versions not stated): ExAC 0.00004; gnomAD 0.00004 and 0.00005; TOPMed 0.00005; 1000 Genomes Project 30x 0.00016; 1000 Genomes Project 0.00020.
gnomAD v4.1: 27 of 1,613,978 alleles (0.0017%); highest among the groups gnomAD compares: Admixed American, 0.01%; no homozygotes.

Submissions (6):

Blueprint Genetics
Classification: Uncertain significance. Last evaluated: 2022-10-05. Review status: criteria provided, single submitter. Criteria: ACMG Guidelines, 2015. Collection method: clinical testing. Allele origin: germline.

Labcorp Genetics (formerly Invitae), Labcorp
Classification: Uncertain significance. Last evaluated: 2022-03-10. Review status: criteria provided, single submitter. Criteria: Invitae Variant Classification Sherloc (09022015). Collection method: clinical testing. Allele origin: germline.
Comment: This sequence change replaces alanine, which is neutral and non-polar, with threonine, which is neutral and polar, at codon 1898 of the CDH23 protein (p.Ala1898Thr). This variant is present in population databases (rs548937425, gnomAD 0.02%). This variant has not been reported in the literature in individuals affected with CDH23-related conditions. ClinVar contains an entry for this variant (Variation ID: 444221). Algorithms developed to predict the effect of missense changes on protein structure and function are either unavailable or do not agree on the potential impact of this missense change (SIFT: "Deleterious"; PolyPhen-2: "Not Available"; Align-GVGD: "Class C55"). In summary, the available evidence is currently insufficient to determine the role of this variant in disease. Therefore, it has been classified as a Variant of Uncertain Significance.

Fulgent Genetics
Classification: Uncertain significance for Usher syndrome type 1D; Autosomal recessive nonsyndromic hearing loss 12; Pituitary adenoma 5, multiple types. Last evaluated: 2021-07-03. Review status: criteria provided, single submitter. Criteria: ACMG Guidelines, 2015. Collection method: clinical testing. Allele origin: unknown.

Department of Otolaryngology – Head & Neck Surgery, Cochlear Implant Center
Classification: Uncertain significance for Beta-D-mannosidosis. Last evaluated: 2021-04-12. Review status: criteria provided, single submitter. Criteria: ClinGen HL ACMG Specifications v1. Collection method: clinical testing. Allele origin: germline. Affected: yes.
Comment: PM2_Moderate, PP3_Supporting

CeGaT Center for Human Genetics Tuebingen
Classification: Uncertain significance. Last evaluated: 2017-05-01. Review status: criteria provided, single submitter. Criteria: CeGaT Center For Human Genetics Tuebingen Variant Classification Criteria Version 2. Collection method: clinical testing. Allele origin: germline. Affected: yes. Observed: 1 variant allele.

Natera, Inc.
Classification: Uncertain significance for Usher syndrome type 1. Last evaluated: 2020-04-29. Review status: no assertion criteria provided. Collection method: clinical testing. Allele origin: germline. Not counted in ClinVar's aggregate classification.

NM_022124.6(CDH23):c.5692G>A (p.Ala1898Thr)

Gene: CDH23 (cadherin related 23; plus strand). Cytogenetic location: 10q22.1.
Variant type: single nucleotide variant.
Coding change: c.5692G>A on transcript NM_022124.6 (MANE Select); coding-DNA position 5692, G replaced by A.
Protein change: p.Ala1898Thr; replaces alanine 1898 with threonine.
Molecular consequence: missense variant.
Genome position (GRCh38, 1-based): chr10:71,785,080, G>A. VCF-style: chr10-71785080-G-A. GRCh37 (hg19) VCF-style: chr10-73544837-G-A.
Other names: short protein forms A1898T.
Identifiers: ClinVar variation 444221 (VCV000444221.50), dbSNP rs548937425, ClinGen allele CA5545840.